The following is an entry in ClinVar:

NM_005670.4(EPM2A):c.4C>T (p.Arg2Cys)

Genes: EPM2A (EPM2A glucan phosphatase, laforin; minus strand), EPM2A-DT (EPM2A divergent transcript; plus strand), LOC129997381 (ATAC-STARR-seq lymphoblastoid silent region 17642; plus strand). Cytogenetic location: 6q24.3.
Variant type: single nucleotide variant.
Coding change: c.4C>T on transcript NM_005670.4 (MANE Select); coding-DNA position 4, C replaced by T.
Protein change: p.Arg2Cys; replaces arginine 2 with cysteine.
Molecular consequence: missense variant. On other transcripts: 5 prime UTR variant (3), intron variant (1).
Genome position (GRCh38, 1-based): chr6:145,735,495, G>A on the plus strand (C>T on the coding strand, the complement: EPM2A is on the minus strand). VCF-style: chr6-145735495-G-A. GRCh37 (hg19) VCF-style: chr6-146056631-G-A.
Other names: p.R2C:CGC>TGC; c.4C>T, p.Arg2Cys (NM_001018041.2, NM_001360057.2, NM_001368130.1); c.-666C>T (NM_001360071.2); c.-620C>T (NM_001368129.2); c.-364C>T (NM_001368131.1); c.-114+413C>T (NM_001360064.2); short protein forms R2C.
Identifiers: ClinVar variation 205440 (VCV000205440.10), dbSNP rs796052431, ClinGen allele CA314512.
Genomic context (GRCh38, chr6:145,735,495, plus strand): 5'-CCAGCAGCTCCGGCCGGGCGCCGGCCACGGCGGGTGGCACCACCACCCCAAAGCGGAAGC[G>A]CATGGCGGGCGGCGGCGGCGCGAATACCCGGGCCCGGAGTCCCCGCGGCCGGCAGGCGCG-3'
Protein context (NP_005661.1, residues 1-12): M[Arg2Cys]FRFGVVVPPA

ClinVar aggregate classification (germline): Uncertain significance. Review status: criteria provided, multiple submitters, no conflicts (2 of 4 stars). 2 submissions from 2 submitters: Uncertain significance (2). Last evaluated 2024-12-02.

Conditions:
Progressive myoclonic epilepsy. Also called: Myoclonus epilepsy; Progressive myoclonus epilepsy; Familial progressive myoclonic epilepsy; Myoclonic Epilepsies, Progressive. Identifiers: Orphanet 308, Orphanet 98261, MedGen C0751778, MONDO:0020074.

Allele frequency attached by ClinVar (database versions not stated): TOPMed below 0.00001.

Submissions (2):

Labcorp Genetics (formerly Invitae), Labcorp
Classification: Uncertain significance for Progressive myoclonic epilepsy. Last evaluated: 2024-12-02. Review status: criteria provided, single submitter. Criteria: Invitae Variant Classification Sherloc (09022015). Collection method: clinical testing. Allele origin: germline.
Comment: This sequence change replaces arginine, which is basic and polar, with cysteine, which is neutral and slightly polar, at codon 2 of the EPM2A protein (p.Arg2Cys). This variant is not present in population databases (gnomAD no frequency). This variant has not been reported in the literature in individuals affected with EPM2A-related conditions. ClinVar contains an entry for this variant (Variation ID: 205440). Invitae Evidence Modeling of protein sequence and biophysical properties (such as structural, functional, and spatial information, amino acid conservation, physicochemical variation, residue mobility, and thermodynamic stability) has been performed for this missense variant. However, the output from this modeling did not meet the statistical confidence thresholds required to predict the impact of this variant on EPM2A protein function. In summary, the available evidence is currently insufficient to determine the role of this variant in disease. Therefore, it has been classified as a Variant of Uncertain Significance.

GeneDx
Classification: Uncertain significance. Last evaluated: 2014-09-18. Review status: criteria provided, single submitter. Criteria: GeneDx Variant Classification (06012015). Collection method: clinical testing. Allele origin: germline. Affected: yes.
Comment: p.Arg2Cys (CGC>TGC): c.4 C>T in exon 1 of the EPM2A gene (NM_005670.3). The R2C variant has not been published as a mutation, nor has it been reported as a benign polymorphism to our knowledge. It was not observed in approximately 469 individuals of European and African American ancestry in the NHLBI Exome Sequencing Project, indicating it is not a common benign variant in these populations. The R2C variant is a non-conservative amino acid substitution, which is likely to impact secondary protein structure as these residues differ in polarity, charge, size and/or other properties. In silico analysis predicts this variant is probably damaging to the protein structure/function. This substitution occurs at a position that is not conserved across species; however, missense mutations in nearby residues (F5S and V7A) have been reported in association with progressive myoclonic epilepsy and Lafora disease, supporting the functional importance of this region of the protein. Therefore, based on the currently available information, it is unclear whether this variant is a pathogenic mutation or a rare benign variant. The variant is found in EPILEPSY panel(s).